The following is an entry in ClinVar:

ClinVar aggregate classification (germline): Uncertain significance (1 of 4 stars; one submission).

Conditions:
CACNA1A-related disorder. Also called: CACNA1A-related condition.

Submission:

PreventionGenetics, part of Exact Sciences
Classification: Uncertain significance for CACNA1A-related condition. Last evaluated: 2026-01-26. Review status: criteria provided, single submitter. Criteria: ACMG Guidelines, 2015. Collection method: clinical testing. Allele origin: germline.
Comment: The CACNA1A c.3319C>A variant is predicted to result in the amino acid substitution p.Leu1107Met. To our knowledge, this variant has not been reported in the literature or in a large population database (gnomAD), indicating this variant is rare. Although we suspect that this variant may be pathogenic, at this time, the clinical significance of this variant is uncertain due to the absence of conclusive functional and genetic evidence.

NM_001127222.2(CACNA1A):c.3319C>A (p.Leu1107Met)

Gene: CACNA1A (calcium voltage-gated channel subunit alpha1 A; minus strand). Cytogenetic location: 19p13.13.
Variant type: single nucleotide variant.
Coding change: c.3319C>A on transcript NM_001127222.2 (MANE Select); coding-DNA position 3319, C replaced by A.
Protein change: p.Leu1107Met; replaces leucine 1107 with methionine.
Molecular consequence: missense variant.
Genome position (GRCh38, 1-based): chr19:13,286,737, G>T on the plus strand (C>A on the coding strand, the complement: CACNA1A is on the minus strand). VCF-style: chr19-13286737-G-T. GRCh37 (hg19) VCF-style: chr19-13397551-G-T.
Other names: c.3331C>A, p.Leu1111Met (NM_000068.4, NM_023035.3); c.3322C>A, p.Leu1108Met (NM_001127221.2, NM_001174080.2); short protein forms L1111M, L1107M, L1108M.
Identifiers: ClinVar variation 4997351 (VCV004997351.1).